The following is an entry in ClinVar:

NM_000186.4(CFH):c.2047G>A (p.Val683Met)

Gene: CFH (complement factor H; plus strand). Cytogenetic location: 1q31.3.
Variant type: single nucleotide variant.
Coding change: c.2047G>A on transcript NM_000186.4 (MANE Select); coding-DNA position 2047, G replaced by A.
Protein change: p.Val683Met; replaces valine 683 with methionine.
Molecular consequence: missense variant.
Genome position (GRCh38, 1-based): chr1:196,726,643, G>A. VCF-style: chr1-196726643-G-A. GRCh37 (hg19) VCF-style: chr1-196695773-G-A.
Other names: c.2047G>A (NM_000186.3); short protein forms V683M.
Identifiers: ClinVar variation 1445785 (VCV001445785.12), dbSNP rs573295841, ClinGen allele CA1305554.

ClinVar aggregate classification (germline): Uncertain significance. Review status: criteria provided, multiple submitters, no conflicts (2 of 4 stars). 8 submissions from 5 submitters: Uncertain significance (8). Last evaluated 2025-10-20.

Conditions:
Age related macular degeneration 4. Identifiers: MedGen C1853147, MONDO:0012540, OMIM 610698.
Basal laminar drusen. Also called: DRUSEN OF BRUCH MEMBRANE; DRUSEN, CUTICULAR; DRUSEN, EARLY ADULT-ONSET, GROUPED. Identifiers: Orphanet 75376, MedGen C0730295, MONDO:0007472, OMIM 126700.
Hemolytic uremic syndrome, atypical, susceptibility to, 1. Also called: AHUS, SUSCEPTIBILITY TO, 1. Identifiers: Orphanet 2134, Orphanet 90038, MedGen C2749604, MONDO:0009335, OMIM 235400. Disease mechanism: Other.
Factor H deficiency (CFHD). Also called: COMPLEMENT FACTOR H DEFICIENCY; CFH DEFICIENCY. Identifiers: Orphanet 200421, MedGen C0398777, MONDO:0012350, OMIM 609814.
CFH-related disorder. Also called: CFH-related disorders; CFH-related condition.

Allele frequency attached by ClinVar (database versions not stated): gnomAD exomes below 0.00001; ExAC 0.00001; gnomAD 0.00001; TOPMed 0.00001; 1000 Genomes Project 0.00020; 1000 Genomes Project 30x 0.00031.

Submissions (8):

Labcorp Genetics (formerly Invitae), Labcorp
Classification: Uncertain significance. Last evaluated: 2025-10-20. Review status: criteria provided, single submitter. Criteria: Invitae Variant Classification Sherloc (09022015). Collection method: clinical testing. Allele origin: germline.
Comment: This sequence change replaces valine, which is neutral and non-polar, with methionine, which is neutral and non-polar, at codon 683 of the CFH protein (p.Val683Met). This variant is present in population databases (rs573295841, gnomAD 0.003%). This variant has not been reported in the literature in individuals affected with CFH-related conditions. ClinVar contains an entry for this variant (Variation ID: 1445785). An algorithm developed to predict the effect of missense changes on protein structure and function outputs the following: PolyPhen-2: "Benign". The methionine amino acid residue is found in multiple mammalian species, which suggests that this missense change does not adversely affect protein function. In summary, the available evidence is currently insufficient to determine the role of this variant in disease. Therefore, it has been classified as a Variant of Uncertain Significance.

Genome-Nilou Lab
Classification: Uncertain significance for Hemolytic uremic syndrome, atypical, susceptibility to, 1. Last evaluated: 2023-04-11. Review status: criteria provided, single submitter. Criteria: ACMG Guidelines, 2015. Collection method: clinical testing. Allele origin: germline. Affected: no.

Genome-Nilou Lab
Classification: Uncertain significance for Age related macular degeneration 4. Last evaluated: 2023-04-11. Review status: criteria provided, single submitter. Criteria: ACMG Guidelines, 2015. Collection method: clinical testing. Allele origin: germline. Affected: no.

Genome-Nilou Lab
Classification: Uncertain significance for Basal laminar drusen. Last evaluated: 2023-04-11. Review status: criteria provided, single submitter. Criteria: ACMG Guidelines, 2015. Collection method: clinical testing. Allele origin: germline. Affected: no.

Genome-Nilou Lab
Classification: Uncertain significance for Factor H deficiency. Last evaluated: 2023-04-11. Review status: criteria provided, single submitter. Criteria: ACMG Guidelines, 2015. Collection method: clinical testing. Allele origin: germline. Affected: no.

PreventionGenetics, part of Exact Sciences
Classification: Uncertain significance for CFH-related condition. Last evaluated: 2023-02-16. Review status: criteria provided, single submitter. Criteria: ACMG Guidelines, 2015. Collection method: clinical testing. Allele origin: germline.
Comment: The CFH c.2047G>A variant is predicted to result in the amino acid substitution p.Val683Met. To our knowledge, this variant has not been reported in the literature. This variant is reported in 0.0029% of alleles in individuals of Latino descent in gnomAD. At this time, the clinical significance of this variant is uncertain due to the absence of conclusive functional and genetic evidence.

Blueprint Genetics
Classification: Uncertain significance. Last evaluated: 2022-09-21. Review status: criteria provided, single submitter. Criteria: ACMG Guidelines, 2015. Collection method: clinical testing. Allele origin: germline.

Fulgent Genetics
Classification: Uncertain significance for Basal laminar drusen; Hemolytic uremic syndrome, atypical, susceptibility to, 1; Factor H deficiency; Age related macular degeneration 4. Last evaluated: 2021-11-27. Review status: criteria provided, single submitter. Criteria: ACMG Guidelines, 2015. Collection method: clinical testing. Allele origin: unknown.